The following is an entry in ClinVar:

ClinVar aggregate classification (germline): Benign/Likely benign. Review status: criteria provided, multiple submitters, no conflicts (2 of 4 stars). 3 submissions from 3 submitters: Benign (1); Likely benign (2). Last evaluated 2026-01-28.

Conditions:
Congenital factor V deficiency. Also called: LABILE FACTOR DEFICIENCY; OWREN PARAHEMOPHILIA; PARAHEMOPHILIA; Hereditary factor V deficiency disease. Identifiers: Orphanet 326, MedGen C0015499, MONDO:0009210, OMIM 227400.

Allele frequency attached by ClinVar (database versions not stated): 1000 Genomes Project 30x 0.00016; 1000 Genomes Project 0.00020.
gnomAD v4.1: 278 of 1,610,724 alleles (0.017%); highest among the groups gnomAD compares: South Asian, 0.25%; 4 homozygotes.

Submissions (3):

Labcorp Genetics (formerly Invitae), Labcorp
Classification: Benign for Congenital factor V deficiency. Last evaluated: 2026-01-28. Review status: criteria provided, single submitter. Criteria: Invitae Variant Classification Sherloc (09022015). Collection method: clinical testing. Allele origin: germline.

Blueprint Genetics
Classification: Likely benign. Last evaluated: 2024-09-06. Review status: criteria provided, single submitter. Criteria: ACMG Guidelines, 2015. Collection method: clinical testing. Allele origin: germline.

CeGaT Center for Human Genetics Tuebingen
Classification: Likely benign. Last evaluated: 2024-08-01. Review status: criteria provided, single submitter. Criteria: CeGaT Center For Human Genetics Tuebingen Variant Classification Criteria Version 2. Collection method: clinical testing. Allele origin: germline. Affected: yes. Observed: 1 variant allele.
Comment: F5: BP4, BS2

NM_000130.5(F5):c.5717-4A>G

Gene: F5 (coagulation factor V; minus strand). Cytogenetic location: 1q24.2.
Variant type: single nucleotide variant.
Coding change: c.5717-4A>G on transcript NM_000130.5 (MANE Select); 4 bases into the intron before coding-DNA position 5717, A replaced by G.
Molecular consequence: intron variant.
Genome position (GRCh38, 1-based): chr1:169,524,912, T>C on the plus strand (A>G on the coding strand, the complement: F5 is on the minus strand). VCF-style: chr1-169524912-T-C. GRCh37 (hg19) VCF-style: chr1-169494150-T-C.
Identifiers: ClinVar variation 2884991 (VCV002884991.20), dbSNP rs201753673, ClinGen allele CA1233417.
Genomic context (GRCh38, chr1:169,524,912, plus strand): 5'-CCTTGATCTGTGAATCAGATATGATACCAGTGCTTAGTCCCATTGGCATCCTACAGTCTA[T>C]GAAAAACAGAAAAAAAATGAATAATTTTTGCTTAGAAAATATATACAATAAAGTAAAACT-3'